The following is an entry in ClinVar:

NM_001034853.2(RPGR):c.2719G>T (p.Glu907Ter)

Gene: RPGR (retinitis pigmentosa GTPase regulator; minus strand). Cytogenetic location: Xp11.4.
Variant type: single nucleotide variant.
Coding change: c.2719G>T on transcript NM_001034853.2 (MANE Select); coding-DNA position 2719, G replaced by T.
Protein change: p.Glu907Ter; replaces glutamic acid 907 with a stop codon.
Molecular consequence: nonsense. On other transcripts: intron variant (8).
Genome position (GRCh38, 1-based): chrX:38,286,280, C>A on the plus strand (G>T on the coding strand, the complement: RPGR is on the minus strand). VCF-style: chrX-38286280-C-A. GRCh37 (hg19) VCF-style: chrX-38145533-C-A.
Other names: NM_001034853.2(RPGR):c.2719G>T; p.Glu907Ter; c.1569+4679G>T (NM_001367249.1, NM_001367250.1); c.1902+814G>T (NM_001367245.1); c.1386+4679G>T (NM_001367251.1); c.1719+814G>T (NM_001367246.1); c.1572+4679G>T (NM_001367247.1); c.1905+814G>T (NM_000328.3); and 1 more; short protein forms E907*.
Identifiers: ClinVar variation 3702951 (VCV003702951.3).

ClinVar aggregate classification (germline): Pathogenic. Review status: reviewed by expert panel (3 of 4 stars). 2 submissions from 2 submitters: Pathogenic (1). 1 of the submissions does not count toward it. Last evaluated 2026-09-26.

Conditions:
RPGR-related retinopathy. Also called: RPGR retinopathy. Identifiers: MedGen CN305589, MONDO:0100437.
Primary ciliary dyskinesia. Also called: Ciliary dyskinesia. Identifiers: Orphanet 244, MedGen C0008780, MONDO:0016575, HP:0012265.

Submissions (2):

ClinGen X-linked Inherited Retinal Disease Variant Curation Expert Panel, ClinGen
Classification: Pathogenic for RPGR-related retinopathy. Last evaluated: 2026-09-26. Review status: reviewed by expert panel. Criteria: ClinGen X LinkedIRD ACMG Specifications RPGR V1.0.0. Collection method: curation. Allele origin: germline. Inheritance: X-linked inheritance.
Comment: NM_001034853.2(RPGR):c.2719G>T (p.Glu907Ter) is a nonsense variant that introduces a premature stop codon between amino acids 1-1132 that is predicted to disrupt a critical C-terminal region required for proper glutamylation of RPGR (PVS1, PMID: 36445968). This variant is absent from hemizygous individuals in gnomAD v4.1.1 (PM2_Supporting). At least one proband harboring this variant exhibits a phenotype including Cone dystrophy (1), 2nd decade onset (1), abnormal color vision (0.5), decreased central vision acuity (0.5), ERG absent (0), pigmentary retinopathy (0.5), and macular atrophy (1), which together are specific for RPGR-related retinopathy (4.5 points, PMID: 35806195, PP4). The variant has been reported to segregate with retinal dystrophy through at least 3 affected meioses from 1 family. (PP1_moderate; PMID: 41686256). In summary, this variant is classified as pathogenic for RPGR-related retinopathy based on the ClinGen X-linked Inherited Retinal Disease Expert Panel Specifications to the ACMG/AMP Variant Interpretation Guidelines for RPGR Version 1.0.0: PVS1, PP1_strong, PP4, and PM2_supporting.

Labcorp Genetics (formerly Invitae), Labcorp
Classification: Pathogenic for Primary ciliary dyskinesia. Last evaluated: 2026-01-13. Review status: criteria provided, single submitter. Criteria: Invitae Variant Classification Sherloc (09022015). Collection method: clinical testing. Allele origin: germline. Not counted in ClinVar's aggregate classification.
Comment: This sequence change creates a premature translational stop signal (p.Glu907*) in the RPGR (ORF15) gene. While this is not anticipated to result in nonsense mediated decay, it is expected to disrupt the last 246 amino acid(s) of the RPGR (ORF15) protein. This variant is not present in population databases (gnomAD no frequency). This premature translational stop signal has been observed in individual(s) with cone-rod dystrophy (PMID: 35806195). ClinVar contains an entry for this variant (Variation ID: 3702951). This variant disrupts a region of the RPGR (ORF15) protein in which other variant(s) (p.Leu1130Lysfs*13) have been determined to be pathogenic (PMID: 22264887; internal data). This suggests that this is a clinically significant region of the protein, and that variants that disrupt it are likely to be disease-causing. For these reasons, this variant has been classified as Pathogenic.

Literature cited by the submitters: PubMed 35806195 (cited by Labcorp Genetics (formerly Invitae), Labcorp); PubMed 22264887 (cited by Labcorp Genetics (formerly Invitae), Labcorp).